The following is an entry in ClinVar:

NM_001872.5(CPB2):c.609del (p.Gly203_Ile204insTer)

Genes: CPB2 (carboxypeptidase B2; minus strand), CPB2-AS1 (CPB2 antisense RNA 1; plus strand). Cytogenetic location: 13q14.13.
Variant type: Deletion.
Coding change: c.609del on transcript NM_001872.5 (MANE Select); coding-DNA position 609, one base deleted (G; older notation c.609delG).
Protein change: p.Gly203_Ile204insTer.
Molecular consequence: frameshift variant. On other transcripts: intron variant (1).
Genome position (GRCh38, 1-based): chr13:46,067,400, C deleted on the plus strand (G on the coding strand, the reverse complement: CPB2 is on the minus strand); the first of 3 consecutive C bases (chr13:46,067,400-46,067,402); deleting any one gives the same sequence. VCF-style (leftmost placement, unchanged base first): chr13-46067399-TC-T. GRCh37 (hg19) VCF-style: chr13-46641534-TC-T.
Other names: c.592-2659del (NM_001278541.2).
Identifiers: ClinVar variation 3350696 (VCV003350696.1).

ClinVar aggregate classification (germline): Uncertain significance (0 of 4 stars; one submission).

Conditions:
CPB2-related disorder. Also called: CPB2-related condition.

Submission:

PreventionGenetics, part of Exact Sciences
Classification: Uncertain significance for CPB2-related condition. Last evaluated: 2024-07-30. Review status: no assertion criteria provided. Collection method: clinical testing. Allele origin: germline.
Comment: The CPB2 c.609delG variant is predicted to result in a frameshift and premature protein termination (p.Gly203Glyfs*2). This variant is predicted to alter splicing based on available splicing prediction programs (SpliceAI, Jaganathan et al. 2019. PubMed ID: 30661751). To our knowledge, this variant has not been reported in the literature or in gnomAD, indicating this variant is rare. Although we suspect that this variant may be pathogenic, at this time, the clinical significance of this variant is uncertain due to the absence of conclusive functional and genetic evidence.